The following is an entry in ClinVar:

ClinVar aggregate classification (germline): Uncertain significance (1 of 4 stars; one submission).

Submission:

Labcorp Genetics (formerly Invitae), Labcorp
Classification: Uncertain significance. Last evaluated: 2024-06-19. Review status: criteria provided, single submitter. Criteria: Invitae Variant Classification Sherloc (09022015). Collection method: clinical testing. Allele origin: germline.
Comment: This sequence change disrupts the translational stop signal of the MECOM mRNA. It is expected to extend the length of the MECOM protein by 5 additional amino acid residues. This variant is not present in population databases (gnomAD no frequency). This variant has not been reported in the literature in individuals affected with MECOM-related conditions. Algorithms developed to predict the effect of sequence changes on RNA splicing suggest that this variant may create or strengthen a splice site. In summary, the available evidence is currently insufficient to determine the role of this variant in disease. Therefore, it has been classified as a Variant of Uncertain Significance.

NM_004991.4(MECOM):c.3720A>T (p.Ter1240Cys)

Gene: MECOM (MDS1 and EVI1 complex locus; minus strand). Cytogenetic location: 3q26.2.
Variant type: single nucleotide variant.
Coding change: c.3720A>T on transcript NM_004991.4 (MANE Select); coding-DNA position 3720, A replaced by T.
Protein change: p.Ter1240Cys.
Molecular consequence: stop lost.
Genome position (GRCh38, 1-based): chr3:169,084,909, T>A on the plus strand (A>T on the coding strand, the complement: MECOM is on the minus strand). VCF-style: chr3-169084909-T-A. GRCh37 (hg19) VCF-style: chr3-168802697-T-A.
Other names: c.3351A>T, p.Ter1117Cys (NM_001105077.4); c.3156A>T, p.Ter1052Cys (NM_001105078.4, NM_001205194.2, NM_001366469.2 and 1 more transcripts); c.3132A>T, p.Ter1044Cys (NM_001163999.2, NM_001366470.2); c.3129A>T, p.Ter1043Cys (NM_001164000.2, NM_001366471.2, NM_001366472.2); c.3693A>T, p.Ter1231Cys (NM_001366466.2); c.3159A>T, p.Ter1053Cys (NM_001366467.2, NM_001366468.2); c.2721A>T, p.Ter907Cys (NM_001366473.2); c.2157A>T, p.Ter719Cys (NM_001366474.2).
Identifiers: ClinVar variation 3656322 (VCV003656322.2).
Genomic context (GRCh38, chr3:169,084,909, plus strand): 5'-CTATATGAAAGAGCCATGCTACTGTTGGACTTGGTCCCACTCTGGTCAACCTTGATAACG[T>A]CATACGTGGCTTATGGACTGGATAGCACTGGATTCCGCCGCAGCCCTGGCCATACTGTGC-3'